The following is an entry in ClinVar:

NC_000013.10:g.(32944695_32945092)_(32945238_32950806)del

Gene: BRCA2 (BRCA2 DNA repair associated; plus strand). Cytogenetic location: 13q13.1.
Variant type: Deletion.
Identifiers: ClinVar variation 440444 (VCV000440444.2).

ClinVar aggregate classification (germline): Pathogenic (1 of 4 stars; one submission).

Conditions:
Breast-ovarian cancer, familial, susceptibility to, 2 (BROVCA2). Also called: BRCA2 Hereditary Breast and Ovarian Cancer. Identifiers: Orphanet 145, MedGen C2675520, MONDO:0012933, OMIM 612555. Disease mechanism: loss of function.

Submission:

Department of Medical Genetics, Oslo University Hospital
Classification: Pathogenic for Breast-ovarian cancer, familial, susceptibility to, 2. Last evaluated: 2015-07-01. Review status: criteria provided, single submitter. Criteria: ACMG Guidelines, 2015. Collection method: clinical testing. Allele origin: germline. Affected: yes. Observed: 1 variant allele.
Comment: Heterozygous deletion of exon 20